The following is an entry in ClinVar:

ClinVar aggregate classification (germline): Uncertain significance (1 of 4 stars; one submission).

Conditions:
Cardiac arrhythmia. Also called: Arrhythmia; Cardiac rhythm disease. Identifiers: MedGen C0003811, MONDO:0007263, HP:0011675.

Allele frequency attached by ClinVar (database versions not stated): gnomAD 0.00001; gnomAD exomes 0.00001 and below 0.00001; 1000 Genomes Project 30x 0.00016; 1000 Genomes Project 0.00020; ExAC 0.00001.
gnomAD v4.1: 9 of 1,614,114 alleles (0.00056%); highest among the groups gnomAD compares: South Asian, 0.0077%; no homozygotes.

Submission:

Labcorp Genetics (formerly Invitae), Labcorp
Classification: Uncertain significance for Cardiac arrhythmia. Last evaluated: 2019-12-27. Review status: criteria provided, single submitter. Criteria: Invitae Variant Classification Sherloc (09022015). Collection method: clinical testing. Allele origin: germline.
Comment: In summary, the available evidence is currently insufficient to determine the role of this variant in disease. Therefore, it has been classified as a Variant of Uncertain Significance. Algorithms developed to predict the effect of missense changes on protein structure and function are either unavailable or do not agree on the potential impact of this missense change (SIFT: "Deleterious"; PolyPhen-2: "Probably Damaging"; Align-GVGD: "Class C0"). This variant has not been reported in the literature in individuals with RANGRF-related conditions. This variant is present in population databases (rs547041882, ExAC 0.006%). This sequence change replaces glycine with valine at codon 184 of the RANGRF protein (p.Gly184Val). The glycine residue is highly conserved and there is a moderate physicochemical difference between glycine and valine.

NM_016492.5(RANGRF):c.551G>T (p.Gly184Val)

Genes: RANGRF (RAN guanine nucleotide release factor; plus strand), SLC25A35 (solute carrier family 25 member 35; minus strand). Cytogenetic location: 17p13.1.
Variant type: single nucleotide variant.
Coding change: c.551G>T on transcript NM_016492.5 (MANE Select); coding-DNA position 551, G replaced by T.
Protein change: p.Gly184Val; replaces glycine 184 with valine.
Molecular consequence: missense variant. On other transcripts: 3 prime UTR variant (3), non-coding transcript variant (2).
Genome position (GRCh38, 1-based): chr17:8,289,926, G>T. VCF-style: chr17-8289926-G-T. GRCh37 (hg19) VCF-style: chr17-8193244-G-T.
Other names: c.*334G>T (NM_001177801.2); c.*365G>T (NM_001177802.2); c.*108G>T (NM_001330127.2); c.788C>A, p.Thr263Asn (NM_001320871.2, NM_001320872.2, NM_201520.3); short protein forms G184V, T263N.
Identifiers: ClinVar variation 839662 (VCV000839662.49), dbSNP rs547041882, ClinGen allele CA8374471.
Genomic context (GRCh38, chr17:8,289,926, plus strand): 5'-GCCTGGGTGACTTTGAACAGCTGGTGACCAGTCTGACCCTTCACGATCCTAACATCTTTG[G>T]TCCCCAGTAAAGGCGCTGAAGCACTGCATGATGTTGCTGAGAACTTGGGGACTCGGTTCT-3'
Protein context (NP_057576.2, residues 174-186): SLTLHDPNIF[Gly184Val]PQ